The following is an entry in ClinVar:

NM_001352514.2(HLCS):c.493+1G>A

Gene: HLCS (holocarboxylase synthetase; minus strand). Cytogenetic location: 21q22.13.
Variant type: single nucleotide variant.
Coding change: c.493+1G>A on transcript NM_001352514.2 (MANE Select); the canonical splice donor site of the intron after coding-DNA position 493, G replaced by A.
Molecular consequence: splice donor variant.
Genome position (GRCh38, 1-based): chr21:36,938,831, C>T on the plus strand (G>A on the coding strand, the complement: HLCS is on the minus strand). VCF-style: chr21-36938831-C-T. GRCh37 (hg19) VCF-style: chr21-38311131-C-T.
Other names: c.52+1G>A (NM_001352517.1, NM_001242785.2, NM_001352515.2 and 4 more transcripts).
Identifiers: ClinVar variation 4818330 (VCV004818330.1).
Genomic context (GRCh38, chr21:36,938,831, plus strand): 5'-TGGGATTACAGGCATGAGCCACTATGCCTGGCCAATAAAAACATTTTCTAAAGTTACTTA[C>T]ACACAATCTTTTGGGGTACCAGTCCATTATCCATGTGGAGTCTATCTTCCATGAACGCCA-3'

ClinVar aggregate classification (germline): Likely pathogenic (1 of 4 stars; one submission).

Conditions:
Holocarboxylase synthetase deficiency. Also called: MULTIPLE CARBOXYLASE DEFICIENCY, EARLY ONSET. Identifiers: Orphanet 79242, MedGen C0268581, MONDO:0009666, OMIM 253270.

Submission:

Natera, Inc.
Classification: Likely pathogenic for Holocarboxylase synthetase deficiency. Last evaluated: 2024-08-05. Review status: criteria provided, single submitter. Criteria: Natera Variant Classification Schema (03/2026). Collection method: clinical testing. Allele origin: germline.
Comment: The c.52+1G>A variant in HLCS is a canonical splice donor site variant predicted to affect pre-mRNA splicing, which may result in an abnormal transcript and altered protein product. This variant is expected to result in nonsense mediated decay, truncation, or a dysfunctional protein product. This variant is rare in the general population with a frequency below the threshold expected for the associated phenotype(s). Given the available evidence, this variant is classified as Likely Pathogenic.